The following is an entry in ClinVar:

ClinVar aggregate classification (germline): Likely pathogenic (1 of 4 stars; one submission).

Submission:

Labcorp Genetics (formerly Invitae), Labcorp
Classification: Likely pathogenic. Last evaluated: 2023-11-20. Review status: criteria provided, single submitter. Criteria: Invitae Variant Classification Sherloc (09022015). Collection method: clinical testing. Allele origin: germline.
Comment: This sequence change replaces glycine, which is neutral and non-polar, with alanine, which is neutral and non-polar, at codon 4340 of the USH2A protein (p.Gly4340Ala). This variant is not present in population databases (gnomAD no frequency). This variant has not been reported in the literature in individuals affected with USH2A-related conditions. Advanced modeling of protein sequence and biophysical properties (such as structural, functional, and spatial information, amino acid conservation, physicochemical variation, residue mobility, and thermodynamic stability) performed at Invitae indicates that this missense variant is expected to disrupt USH2A protein function with a positive predictive value of 95%. This variant disrupts the p.Gly4340 amino acid residue in USH2A. Other variant(s) that disrupt this residue have been determined to be pathogenic (PMID: 27460420, 30073356). This suggests that this residue is clinically significant, and that variants that disrupt this residue are likely to be disease-causing. In summary, the currently available evidence indicates that the variant is pathogenic, but additional data are needed to prove that conclusively. Therefore, this variant has been classified as Likely Pathogenic.

Literature cited by the submitters: PubMed 27460420; PubMed 30073356.

NM_206933.4(USH2A):c.13019G>C (p.Gly4340Ala)

Gene: USH2A (usherin; minus strand). Cytogenetic location: 1q41.
Variant type: single nucleotide variant.
Coding change: c.13019G>C on transcript NM_206933.4 (MANE Select); coding-DNA position 13019, G replaced by C.
Protein change: p.Gly4340Ala; replaces glycine 4340 with alanine.
Molecular consequence: missense variant.
Genome position (GRCh38, 1-based): chr1:215,674,892, C>G on the plus strand (G>C on the coding strand, the complement: USH2A is on the minus strand). VCF-style: chr1-215674892-C-G. GRCh37 (hg19) VCF-style: chr1-215848234-C-G.
Other names: short protein forms G4340A.
Identifiers: ClinVar variation 2827563 (VCV002827563.3), dbSNP rs1419157426, ClinGen allele CA344847804.